The following is an entry in ClinVar:

ClinVar aggregate classification (germline): Uncertain significance (1 of 4 stars; one submission).

Submission:

Labcorp Genetics (formerly Invitae), Labcorp
Classification: Uncertain significance. Last evaluated: 2021-01-31. Review status: criteria provided, single submitter. Criteria: Invitae Variant Classification Sherloc (09022015). Collection method: clinical testing. Allele origin: germline.
Comment: In summary, the available evidence is currently insufficient to determine the role of this variant in disease. Therefore, it has been classified as a Variant of Uncertain Significance. Advanced modeling of protein sequence and biophysical properties (such as structural, functional, and spatial information, amino acid conservation, physicochemical variation, residue mobility, and thermodynamic stability) performed at Invitae indicates that this missense variant is not expected to disrupt PNPT1 protein function. This variant has not been reported in the literature in individuals with PNPT1-related conditions. This variant is not present in population databases (ExAC no frequency). This sequence change replaces aspartic acid with glutamic acid at codon 166 of the PNPT1 protein (p.Asp166Glu). The aspartic acid residue is highly conserved and there is a small physicochemical difference between aspartic acid and glutamic acid.

NM_033109.5(PNPT1):c.498T>A (p.Asp166Glu)

Gene: PNPT1 (polyribonucleotide nucleotidyltransferase 1; minus strand). Cytogenetic location: 2p16.1.
Variant type: single nucleotide variant.
Coding change: c.498T>A on transcript NM_033109.5 (MANE Select); coding-DNA position 498, T replaced by A.
Protein change: p.Asp166Glu; replaces aspartic acid 166 with glutamic acid.
Molecular consequence: missense variant.
Genome position (GRCh38, 1-based): chr2:55,680,874, A>T on the plus strand (T>A on the coding strand, the complement: PNPT1 is on the minus strand). VCF-style: chr2-55680874-A-T. GRCh37 (hg19) VCF-style: chr2-55908009-A-T.
Other names: short protein forms D166E.
Identifiers: ClinVar variation 1470911 (VCV001470911.8), dbSNP rs2104157191, ClinGen allele CA346938882.